The following is an entry in ClinVar:

ClinVar aggregate classification (germline): Uncertain significance (1 of 4 stars; one submission).

Conditions:
Fanconi anemia (FA). Also called: Fanconi's anemia. Identifiers: Orphanet 84, MedGen C0015625, MeSH D005199, MONDO:0019391.

Submission:

Labcorp Genetics (formerly Invitae), Labcorp
Classification: Uncertain significance for Fanconi anemia. Last evaluated: 2018-03-28. Review status: criteria provided, single submitter. Criteria: Invitae Variant Classification Sherloc (09022015). Collection method: clinical testing. Allele origin: germline.
Comment: In summary, the available evidence is currently insufficient to determine the role of this variant in disease. Therefore, it has been classified as a Variant of Uncertain Significance. Algorithms developed to predict the effect of missense changes on protein structure and function do not agree on the potential impact of this missense change (SIFT: "Deleterious"; PolyPhen-2: "Probably Damaging"; Align-GVGD: "Class C0"). This variant has not been reported in the literature in individuals with FANCM-related disease. This variant is not present in population databases (ExAC no frequency). This sequence change replaces glycine with cysteine at codon 510 of the FANCM protein (p.Gly510Cys). The glycine residue is highly conserved and there is a large physicochemical difference between glycine and cysteine.

NM_020937.4(FANCM):c.1528G>T (p.Gly510Cys)

Gene: FANCM (FA complementation group M; plus strand). Cytogenetic location: 14q21.2.
Variant type: single nucleotide variant.
Coding change: c.1528G>T on transcript NM_020937.4 (MANE Select); coding-DNA position 1528, G replaced by T.
Protein change: p.Gly510Cys; replaces glycine 510 with cysteine.
Molecular consequence: missense variant.
Genome position (GRCh38, 1-based): chr14:45,159,227, G>T. VCF-style: chr14-45159227-G-T. GRCh37 (hg19) VCF-style: chr14-45628430-G-T.
Other names: c.1450G>T, p.Gly484Cys (NM_001308133.2); c.1528G>T, p.Gly510Cys (NM_001308134.2); short protein forms G484C, G510C.
Identifiers: ClinVar variation 1022316 (VCV001022316.8), dbSNP rs146291619, ClinGen allele CA389592645.
Genomic context (GRCh38, chr14:45,159,227, plus strand): 5'-CAAGAAATTGCAGAAATGCTTTCACAGCATCAGCCAATTATTAGAGTAATGACTTTTGTC[G>T]GCCATGCCTCAGGGAAAAGCACGAAGGGTTTTACCCAGAAGGAGCAACTGGAGGTAATTA-3'
Protein context (NP_065988.1, residues 500-520): QPIIRVMTFV[Gly510Cys]HASGKSTKGF